The following is an entry in ClinVar:

ClinVar aggregate classification (germline): Benign/Likely benign. Review status: criteria provided, multiple submitters, no conflicts (2 of 4 stars). 3 submissions from 3 submitters: Benign (1); Likely benign (2). Last evaluated 2025-02-27.

Conditions:
Multiple endocrine neoplasia, type 2 (MEN2). Identifiers: Orphanet 653, MedGen C4048306, MONDO:0019003. Disease mechanism: gain of function.
Hereditary cancer-predisposing syndrome. Also called: Neoplastic Syndromes, Hereditary; Hereditary neoplastic syndrome; Tumor predisposition; Hereditary Cancer Syndrome. Identifiers: Orphanet 140162, MedGen C0027672, MeSH D009386, MONDO:0015356.
Multiple endocrine neoplasia type 2A. Also called: Multiple Endocrine Neoplasia Type 2A (MEN2A); MULTIPLE ENDOCRINE NEOPLASIA, TYPE IIA; PTC SYNDROME; SIPPLE SYNDROME; MEN 2A; MEN-2A syndrome. Identifiers: Orphanet 247698, Orphanet 653, MedGen C0025268, MeSH D018813, MONDO:0008234, OMIM 171400.

Submissions (3):

Myriad Genetics, Inc.
Classification: Benign for Multiple endocrine neoplasia type 2A. Last evaluated: 2025-02-27. Review status: criteria provided, single submitter. Criteria: Myriad Autosomal Dominant, Autosomal Recessive and X-Linked Classification Criteria (2023). Collection method: clinical testing. Allele origin: unknown.
Comment: This variant is considered benign. This variant is a silent/synonymous amino acid change and it is not expected to impact splicing.

Labcorp Genetics (formerly Invitae), Labcorp
Classification: Likely benign for Multiple endocrine neoplasia, type 2. Last evaluated: 2024-07-01. Review status: criteria provided, single submitter. Criteria: Invitae Variant Classification Sherloc (09022015). Collection method: clinical testing. Allele origin: germline.

Ambry Genetics
Classification: Likely benign for Hereditary cancer-predisposing syndrome. Last evaluated: 2022-11-23. Review status: criteria provided, single submitter. Criteria: Ambry Variant Classification Scheme 2023. Collection method: clinical testing. Allele origin: germline.

NM_020975.6(RET):c.2529G>A (p.Glu843=)

Gene: RET (ret proto-oncogene; plus strand). Cytogenetic location: 10q11.21.
Variant type: single nucleotide variant.
Coding change: c.2529G>A on transcript NM_020975.6 (MANE Select); coding-DNA position 2529, G replaced by A.
Protein change: p.Glu843=; no amino-acid change (glutamic acid 843 retained).
Molecular consequence: synonymous variant.
Genome position (GRCh38, 1-based): chr10:43,119,667, G>A. VCF-style: chr10-43119667-G-A. GRCh37 (hg19) VCF-style: chr10-43615115-G-A.
Other names: c.2529G>A, p.Glu843= (NM_000323.2, NM_001406743.1, NM_001406744.1 and 4 more transcripts); c.1767G>A, p.Glu589= (NM_001355216.2); c.2400G>A, p.Glu800= (NM_001406761.1, NM_001406762.1, NM_001406764.1); c.2394G>A, p.Glu798= (NM_001406763.1, NM_001406765.1); c.2241G>A, p.Glu747= (NM_001406766.1, NM_001406767.1, NM_001406770.1); c.2265G>A, p.Glu755= (NM_001406768.1); c.2133G>A, p.Glu711= (NM_001406769.1, NM_001406772.1); c.2091G>A, p.Glu697= (NM_001406771.1, NM_001406773.1); and 10 more.
Identifiers: ClinVar variation 2454128 (VCV002454128.6), dbSNP rs377767423, ClinGen allele CA469480099.